The following is an entry in ClinVar:

NM_014915.3(ANKRD26):c.3437T>C (p.Leu1146Pro)

Gene: ANKRD26 (ankyrin repeat domain containing 26; minus strand). Cytogenetic location: 10p12.1.
Variant type: single nucleotide variant.
Coding change: c.3437T>C on transcript NM_014915.3 (MANE Select); coding-DNA position 3437, T replaced by C.
Protein change: p.Leu1146Pro; replaces leucine 1146 with proline.
Molecular consequence: missense variant.
Genome position (GRCh38, 1-based): chr10:27,035,013, A>G on the plus strand (T>C on the coding strand, the complement: ANKRD26 is on the minus strand). VCF-style: chr10-27035013-A-G. GRCh37 (hg19) VCF-style: chr10-27323942-A-G.
Other names: c.3434T>C, p.Leu1145Pro (NM_001256053.2); short protein forms L1145P, L1146P.
Identifiers: ClinVar variation 3913992 (VCV003913992.1).

ClinVar aggregate classification (germline): Uncertain significance (1 of 4 stars; one submission).

Conditions:
Inborn genetic diseases. Identifiers: MedGen C0950123, MeSH D030342.

gnomAD v4.1: 1 of 1,614,018 alleles (0.000062%); highest among the groups gnomAD compares: Non-Finnish European, 0.000085%; no homozygotes.

Submission:

Ambry Genetics
Classification: Uncertain significance for Inborn genetic diseases. Last evaluated: 2025-05-02. Review status: criteria provided, single submitter. Criteria: Ambry Variant Classification Scheme 2023. Collection method: clinical testing. Allele origin: germline.
Comment: The p.L1146P variant (also known as c.3437T>C), located in coding exon 24 of the ANKRD26 gene, results from a T to C substitution at nucleotide position 3437. The leucine at codon 1146 is replaced by proline, an amino acid with similar properties. This amino acid position is conserved. In addition, the in silico prediction for this alteration is inconclusive. Based on the available evidence, the clinical significance of this variant remains unclear.